The following is an entry in ClinVar:

NM_016356.5(DCDC2):c.1368A>T (p.Lys456Asn)

Gene: DCDC2 (doublecortin domain containing 2; minus strand). Cytogenetic location: 6p22.3.
Variant type: single nucleotide variant.
Coding change: c.1368A>T on transcript NM_016356.5 (MANE Select); coding-DNA position 1368, A replaced by T.
Protein change: p.Lys456Asn; replaces lysine 456 with asparagine.
Molecular consequence: missense variant.
Genome position (GRCh38, 1-based): chr6:24,174,793, T>A on the plus strand (A>T on the coding strand, the complement: DCDC2 is on the minus strand). VCF-style: chr6-24174793-T-A. GRCh37 (hg19) VCF-style: chr6-24175021-T-A.
Other names: p.Lys456Asn; c.1368A>T, p.Lys456Asn (NM_001195610.2); short protein forms K456N.
Identifiers: ClinVar variation 508595 (VCV000508595.13), dbSNP rs9460973, ClinGen allele CA3654434.

ClinVar aggregate classification (germline): Benign/Likely benign. Review status: criteria provided, multiple submitters, no conflicts (2 of 4 stars). 5 submissions from 5 submitters: Benign (4); Likely benign (1). Last evaluated 2026-02-01.

Conditions:
Autosomal recessive nonsyndromic hearing loss 66 (DFNB66). Also called: Deafness, autosomal recessive 66. Identifiers: Orphanet 90636, MedGen C1857750, MONDO:0012442, OMIM 610212.
Isolated neonatal sclerosing cholangitis (NSC). Also called: Sclerosing cholangitis, neonatal. Identifiers: Orphanet 480556, MedGen C4479344, MONDO:0018816, OMIM 617394.

Allele frequency attached by ClinVar (database versions not stated): gnomAD exomes 0.03840 and 0.04999; ExAC 0.05594; 1000 Genomes Project 0.14317; gnomAD 0.14400 and 0.15425; 1000 Genomes Project 30x 0.15615; ESP Exome Variant Server 0.16039; TOPMed 0.16318.
gnomAD v4.1: 78,618 of 1,613,154 alleles (4.9%); highest among the groups gnomAD compares: African/African-American, 45%; 8,576 homozygotes.

Submissions (5):

Labcorp Genetics (formerly Invitae), Labcorp
Classification: Benign for Autosomal recessive nonsyndromic hearing loss 66; Isolated neonatal sclerosing cholangitis. Last evaluated: 2026-02-01. Review status: criteria provided, single submitter. Criteria: Invitae Variant Classification Sherloc (09022015). Collection method: clinical testing. Allele origin: germline.

Blueprint Genetics
Classification: Likely benign. Last evaluated: 2024-11-26. Review status: criteria provided, single submitter. Criteria: ACMG Guidelines, 2015. Collection method: clinical testing. Allele origin: germline.

Mayo Clinic Laboratories, Mayo Clinic
Classification: Benign. Last evaluated: 2022-11-14. Review status: criteria provided, single submitter. Criteria: ACMG Guidelines, 2015. Collection method: clinical testing. Allele origin: germline. Observed: 179 variant alleles.

Athena Diagnostics
Classification: Benign. Last evaluated: 2018-05-29. Review status: criteria provided, single submitter. Criteria: Athena Diagnostics Criteria. Collection method: clinical testing. Allele origin: germline.

GeneDx
Classification: Benign. Last evaluated: 2017-08-25. Review status: criteria provided, single submitter. Criteria: GeneDx Variant Classification (06012015). Collection method: clinical testing. Allele origin: germline. Affected: yes.
Comment: This variant is considered likely benign or benign based on one or more of the following criteria: it is a conservative change, it occurs at a poorly conserved position in the protein, it is predicted to be benign by multiple in silico algorithms, and/or has population frequency not consistent with disease.